The following is an entry in ClinVar:

NM_000222.3(KIT):c.1637A>G (p.Lys546Arg)

Gene: KIT (KIT proto-oncogene, receptor tyrosine kinase; plus strand). Cytogenetic location: 4q12.
Variant type: single nucleotide variant.
Coding change: c.1637A>G on transcript NM_000222.3 (MANE Select); coding-DNA position 1637, A replaced by G.
Protein change: p.Lys546Arg; replaces lysine 546 with arginine.
Molecular consequence: missense variant.
Genome position (GRCh38, 1-based): chr4:54,727,314, A>G. VCF-style: chr4-54727314-A-G. GRCh37 (hg19) VCF-style: chr4-55593480-A-G.
Other names: c.1625A>G, p.Lys542Arg (NM_001093772.2, NM_001385286.1); c.1640A>G, p.Lys547Arg (NM_001385284.1, NM_001385290.1); c.1637A>G, p.Lys546Arg (NM_001385285.1); c.1628A>G, p.Lys543Arg (NM_001385288.1, NM_001385292.1); c.1637A>G (NM_000222.2); short protein forms K542R, K543R, K546R, K547R.
Identifiers: ClinVar variation 1011919 (VCV001011919.11), dbSNP rs1722289602, ClinGen allele CA356907377.

ClinVar aggregate classification (germline): Uncertain significance. Review status: criteria provided, multiple submitters, no conflicts (2 of 4 stars). 3 submissions from 3 submitters: Uncertain significance (3). Last evaluated 2025-07-30.

Conditions:
Hereditary cancer-predisposing syndrome. Also called: Neoplastic Syndromes, Hereditary; Hereditary Cancer Syndrome; Hereditary neoplastic syndrome; Tumor predisposition. Identifiers: Orphanet 140162, MedGen C0027672, MeSH D009386, MONDO:0015356.
Gastrointestinal stromal tumor. Also called: Gastrointestinal stromal tumor, somatic; Gastrointestinal stroma tumor. Identifiers: Orphanet 44890, MedGen C0238198, MeSH D046152, MONDO:0011719, OMIM 606764, HP:0100723.

Allele frequency attached by ClinVar (database versions not stated): gnomAD exomes below 0.00001.
gnomAD v4.1: 1 of 1,614,050 alleles (0.000062%); highest among the groups gnomAD compares: Non-Finnish European, 0.000085%; no homozygotes.

Submissions (3):

Labcorp Genetics (formerly Invitae), Labcorp
Classification: Uncertain significance for Gastrointestinal stromal tumor. Last evaluated: 2025-07-30. Review status: criteria provided, single submitter. Criteria: Invitae Variant Classification Sherloc (09022015). Collection method: clinical testing. Allele origin: germline.
Comment: This sequence change replaces lysine, which is basic and polar, with arginine, which is basic and polar, at codon 546 of the KIT protein (p.Lys546Arg). This variant is not present in population databases (gnomAD no frequency). This variant has not been reported in the literature in individuals affected with KIT-related conditions. ClinVar contains an entry for this variant (Variation ID: 1011919). An algorithm developed to predict the effect of missense changes on protein structure and function (PolyPhen-2) suggests that this variant is likely to be disruptive. In summary, the available evidence is currently insufficient to determine the role of this variant in disease. Therefore, it has been classified as a Variant of Uncertain Significance.

Ambry Genetics
Classification: Uncertain significance for Hereditary cancer-predisposing syndrome. Last evaluated: 2025-02-25. Review status: criteria provided, single submitter. Criteria: Ambry Variant Classification Scheme 2023. Collection method: clinical testing. Allele origin: germline.
Comment: The p.K546R variant (also known as c.1637A>G), located in coding exon 10 of the KIT gene, results from an A to G substitution at nucleotide position 1637. The lysine at codon 546 is replaced by arginine, an amino acid with highly similar properties. This amino acid position is well conserved in available vertebrate species. In addition, the in silico prediction for this alteration is inconclusive. Based on the available evidence, the clinical significance of this variant remains unclear.

GeneDx
Classification: Uncertain significance. Last evaluated: 2022-09-08. Review status: criteria provided, single submitter. Criteria: GeneDx Variant Classification Process June 2021. Collection method: clinical testing. Allele origin: germline. Affected: yes.
Comment: Not observed at significant frequency in large population cohorts (gnomAD); In silico analysis supports that this missense variant has a deleterious effect on protein structure/function; Has not been previously published as pathogenic or benign to our knowledge